The following is an entry in ClinVar:

NM_005263.5(GFI1):c.1009A>G (p.Thr337Ala)

Gene: GFI1 (growth factor independent 1 transcriptional repressor; minus strand). Cytogenetic location: 1p22.1.
Variant type: single nucleotide variant.
Coding change: c.1009A>G on transcript NM_005263.5 (MANE Select); coding-DNA position 1009, A replaced by G.
Protein change: p.Thr337Ala; replaces threonine 337 with alanine.
Molecular consequence: missense variant.
Genome position (GRCh38, 1-based): chr1:92,478,669, T>C on the plus strand (A>G on the coding strand, the complement: GFI1 is on the minus strand). VCF-style: chr1-92478669-T-C. GRCh37 (hg19) VCF-style: chr1-92944226-T-C.
Other names: c.1009A>G, p.Thr337Ala (NM_001127215.3, NM_001127216.3); short protein forms T337A.
Identifiers: ClinVar variation 3519839 (VCV003519839.1).

ClinVar aggregate classification (germline): Uncertain significance (1 of 4 stars; one submission).

Submission:

Ambry Genetics
Classification: Uncertain significance. Last evaluated: 2024-11-28. Review status: criteria provided, single submitter. Criteria: Ambry Variant Classification Scheme 2023. Collection method: clinical testing. Allele origin: germline.
Comment: The p.T337A variant (also known as c.1009A>G), located in coding exon 5 of the GFI1 gene, results from an A to G substitution at nucleotide position 1009. The threonine at codon 337 is replaced by alanine, an amino acid with similar properties. This amino acid position is conserved. In addition, this alteration is predicted to be tolerated by in silico analysis. Based on the available evidence, the clinical significance of this variant remains unclear.